The following is an entry in ClinVar:

ClinVar aggregate classification (germline): Uncertain significance (1 of 4 stars; one submission).

Submission:

Labcorp Genetics (formerly Invitae), Labcorp
Classification: Uncertain significance. Last evaluated: 2024-12-28. Review status: criteria provided, single submitter. Criteria: Invitae Variant Classification Sherloc (09022015). Collection method: clinical testing. Allele origin: germline.
Comment: This sequence change replaces alanine, which is neutral and non-polar, with threonine, which is neutral and polar, at codon 385 of the CACNA1E protein (p.Ala385Thr). This variant is not present in population databases (gnomAD no frequency). This variant has not been reported in the literature in individuals affected with CACNA1E-related conditions. Invitae Evidence Modeling of protein sequence and biophysical properties (such as structural, functional, and spatial information, amino acid conservation, physicochemical variation, residue mobility, and thermodynamic stability) has been performed for this missense variant. However, the output from this modeling did not meet the statistical confidence thresholds required to predict the impact of this variant on CACNA1E protein function. In summary, the available evidence is currently insufficient to determine the role of this variant in disease. Therefore, it has been classified as a Variant of Uncertain Significance.

NM_001205293.3(CACNA1E):c.1153G>A (p.Ala385Thr)

Gene: CACNA1E (calcium voltage-gated channel subunit alpha1 E; plus strand). Cytogenetic location: 1q25.3.
Variant type: single nucleotide variant.
Coding change: c.1153G>A on transcript NM_001205293.3 (MANE Select); coding-DNA position 1153, G replaced by A.
Protein change: p.Ala385Thr; replaces alanine 385 with threonine.
Molecular consequence: missense variant.
Genome position (GRCh38, 1-based): chr1:181,711,051, G>A. VCF-style: chr1-181711051-G-A. GRCh37 (hg19) VCF-style: chr1-181680187-G-A.
Other names: c.1153G>A, p.Ala385Thr (NM_000721.4, NM_001205294.2); short protein forms A385T.
Identifiers: ClinVar variation 3633660 (VCV003633660.2).